The following is an entry in ClinVar:

NM_212482.4(FN1):c.3218A>T (p.Gln1073Leu)

Gene: FN1 (fibronectin 1; minus strand). Cytogenetic location: 2q35.
Variant type: single nucleotide variant.
Coding change: c.3218A>T on transcript NM_212482.4 (MANE Select); coding-DNA position 3218, A replaced by T.
Protein change: p.Gln1073Leu; replaces glutamine 1073 with leucine.
Molecular consequence: missense variant.
Genome position (GRCh38, 1-based): chr2:215,404,424, T>A on the plus strand (A>T on the coding strand, the complement: FN1 is on the minus strand). VCF-style: chr2-215404424-T-A. GRCh37 (hg19) VCF-style: chr2-216269147-T-A.
Other names: c.3218A>T, p.Gln1073Leu (NM_001306129.2, NM_001306130.2, NM_001306131.2 and 13 more transcripts); short protein forms Q1073L.
Identifiers: ClinVar variation 1719028 (VCV001719028.5), dbSNP rs2061513221, ClinGen allele CA350489072.
Genomic context (GRCh38, chr2:215,404,424, plus strand): 5'-AAAAGGCACTTAATTTTCAGCTTACGTGTGGTAAAGACTCCAGTGGCTTTGGGGCTCTCT[T>A]GGTTGCCCTTTATGGCCACGAGGGATACGGTGTACTCAGATGCAGGCTGCAGATTCCTCA-3'
Protein context (NP_997647.2, residues 1063-1083): TVSLVAIKGN[Gln1073Leu]ESPKATGVFT

ClinVar aggregate classification (germline): Uncertain significance (1 of 4 stars; one submission).

Submission:

Labcorp Genetics (formerly Invitae), Labcorp
Classification: Uncertain significance. Last evaluated: 2022-09-07. Review status: criteria provided, single submitter. Criteria: Invitae Variant Classification Sherloc (09022015). Collection method: clinical testing. Allele origin: germline.
Comment: In summary, the available evidence is currently insufficient to determine the role of this variant in disease. Therefore, it has been classified as a Variant of Uncertain Significance. Algorithms developed to predict the effect of missense changes on protein structure and function are either unavailable or do not agree on the potential impact of this missense change (SIFT: "Not Available"; PolyPhen-2: "Benign"; Align-GVGD: "Not Available"). This variant has not been reported in the literature in individuals affected with FN1-related conditions. This variant is not present in population databases (gnomAD no frequency). This sequence change replaces glutamine, which is neutral and polar, with leucine, which is neutral and non-polar, at codon 1073 of the FN1 protein (p.Gln1073Leu).